The following is an entry in ClinVar:

NM_005189.3(CBX2):c.397G>A (p.Gly133Ser)

Gene: CBX2 (chromobox 2; plus strand). Cytogenetic location: 17q25.3.
Variant type: single nucleotide variant.
Coding change: c.397G>A on transcript NM_005189.3 (MANE Select); coding-DNA position 397, G replaced by A.
Protein change: p.Gly133Ser; replaces glycine 133 with serine.
Molecular consequence: missense variant.
Genome position (GRCh38, 1-based): chr17:79,783,840, G>A. VCF-style: chr17-79783840-G-A. GRCh37 (hg19) VCF-style: chr17-77757639-G-A.
Other names: c.397G>A (NM_005189.2); short protein forms G133S.
Identifiers: ClinVar variation 2907779 (VCV002907779.4), dbSNP rs781961536, ClinGen allele CA8811230.

ClinVar aggregate classification (germline): Uncertain significance. Review status: criteria provided, multiple submitters, no conflicts (2 of 4 stars). 2 submissions from 2 submitters: Uncertain significance (2). Last evaluated 2025-02-09.

Allele frequency attached by ClinVar (database versions not stated): ExAC 0.00004; TOPMed 0.00005; gnomAD 0.00006; gnomAD exomes 0.00015.
gnomAD v4.1: 214 of 1,611,932 alleles (0.013%); highest among the groups gnomAD compares: Non-Finnish European, 0.018%; no homozygotes.

Submissions (2):

Ambry Genetics
Classification: Uncertain significance. Last evaluated: 2025-02-09. Review status: criteria provided, single submitter. Criteria: Ambry Variant Classification Scheme 2023. Collection method: clinical testing. Allele origin: germline.

Labcorp Genetics (formerly Invitae), Labcorp
Classification: Uncertain significance. Last evaluated: 2023-07-18. Review status: criteria provided, single submitter. Criteria: Invitae Variant Classification Sherloc (09022015). Collection method: clinical testing. Allele origin: germline.
Comment: This sequence change replaces glycine, which is neutral and non-polar, with serine, which is neutral and polar, at codon 133 of the CBX2 protein (p.Gly133Ser). This variant is present in population databases (rs781961536, gnomAD 0.009%). This variant has not been reported in the literature in individuals affected with CBX2-related conditions. Advanced modeling of protein sequence and biophysical properties (such as structural, functional, and spatial information, amino acid conservation, physicochemical variation, residue mobility, and thermodynamic stability) performed at Invitae indicates that this missense variant is not expected to disrupt CBX2 protein function. In summary, the available evidence is currently insufficient to determine the role of this variant in disease. Therefore, it has been classified as a Variant of Uncertain Significance.